The following is an entry in ClinVar:

ClinVar aggregate classification (germline): Uncertain significance (1 of 4 stars; one submission).

gnomAD v4.1: 3 of 1,611,908 alleles (0.00019%); highest among the groups gnomAD compares: Non-Finnish European, 0.00025%; no homozygotes.

Submission:

Ambry Genetics
Classification: Uncertain significance. Last evaluated: 2026-07-21. Review status: criteria provided, single submitter. Criteria: Ambry Variant Classification Scheme 2023. Collection method: clinical testing. Allele origin: germline.
Comment: The p.T237S variant (also known as c.710C>G), located in coding exon 7 of the STAP1 gene, results from a C to G substitution at nucleotide position 710. The threonine at codon 237 is replaced by serine, an amino acid with similar properties. This amino acid position is conserved. In addition, this alteration is predicted to be tolerated by in silico analysis. Based on the available evidence, the clinical significance of this variant remains unclear.

NM_012108.4(STAP1):c.710C>G (p.Thr237Ser)

Gene: STAP1 (signal transducing adaptor family member 1; plus strand). Cytogenetic location: 4q13.2.
Variant type: single nucleotide variant.
Coding change: c.710C>G on transcript NM_012108.4 (MANE Select); coding-DNA position 710, C replaced by G.
Protein change: p.Thr237Ser; replaces threonine 237 with serine.
Molecular consequence: missense variant.
Genome position (GRCh38, 1-based): chr4:67,590,934, C>G. VCF-style: chr4-67590934-C-G. GRCh37 (hg19) VCF-style: chr4-68456652-C-G.
Other names: c.710C>G, p.Thr237Ser (NM_001317769.2); short protein forms T237S.
Identifiers: ClinVar variation 5030294 (VCV005030294.1).